The following is an entry in ClinVar:

NM_004168.4(SDHA):c.290G>C (p.Arg97Thr)

Gene: SDHA (succinate dehydrogenase complex flavoprotein subunit A; plus strand). Cytogenetic location: 5p15.33.
Variant type: single nucleotide variant.
Coding change: c.290G>C on transcript NM_004168.4 (MANE Select); coding-DNA position 290, G replaced by C.
Protein change: p.Arg97Thr; replaces arginine 97 with threonine.
Molecular consequence: missense variant.
Genome position (GRCh38, 1-based): chr5:224,499, G>C. VCF-style: chr5-224499-G-C. GRCh37 (hg19) VCF-style: chr5-224614-G-C.
Other names: c.290G>C, p.Arg97Thr (NM_001294332.2, NM_001330758.2); short protein forms R97T.
Identifiers: ClinVar variation 539690 (VCV000539690.18), dbSNP rs371274523, ClinGen allele CA3172762.

ClinVar aggregate classification (germline): Uncertain significance. Review status: criteria provided, multiple submitters, no conflicts (2 of 4 stars). 6 submissions from 6 submitters: Uncertain significance (6). Last evaluated 2025-12-22.

Conditions:
Mitochondrial complex II deficiency, nuclear type 1. Also called: SUCCINATE CoQ REDUCTASE DEFICIENCY. Identifiers: Orphanet 3208, MedGen C5700310, MONDO:0100294, OMIM 252011.
Pheochromocytoma/paraganglioma syndrome 5. Also called: Paragangliomas 5; SDHA-Related Hereditary Paraganglioma-Pheochromocytoma Syndrome. Identifiers: Orphanet 29072, MedGen C3279992, MONDO:0013602, OMIM 614165.
SDHA-related disorder. Also called: SDHA-related disorders; SDHA-related condition.
Dilated cardiomyopathy 1GG (CMD1GG). Identifiers: Orphanet 154, MedGen C3150898, MONDO:0013339, OMIM 613642.
Hereditary cancer-predisposing syndrome. Also called: Tumor predisposition; Hereditary neoplastic syndrome; Neoplastic Syndromes, Hereditary; Hereditary Cancer Syndrome. Identifiers: Orphanet 140162, MedGen C0027672, MeSH D009386, MONDO:0015356.

Allele frequency attached by ClinVar (database versions not stated): gnomAD exomes 0.00001 and 0.00002; ExAC 0.00003; TOPMed 0.00004; gnomAD 0.00007; ESP Exome Variant Server 0.00008.
gnomAD v4.1: 19 of 1,612,786 alleles (0.0012%); highest among the groups gnomAD compares: African/African-American, 0.024%; no homozygotes.

Submissions (6):

PreventionGenetics, part of Exact Sciences
Classification: Uncertain significance for SDHA-related condition. Last evaluated: 2025-12-22. Review status: criteria provided, single submitter. Criteria: ACMG Guidelines, 2015. Collection method: clinical testing. Allele origin: germline.
Comment: The SDHA c.290G>C variant is predicted to result in the amino acid substitution p.Arg97Thr. This variant was reported in an individual with breast cancer (Sandoval et al. 2021. PubMed ID: 33606809), and an individual with a second SDHA variant and clinical features consistent with an autosomal recessive SDHA-related condition (Schon et al. 2021. PubMed ID: 34732400). This variant is reported in 0.024% of alleles in individuals of African descent in gnomAD, and it is interpreted as uncertain in ClinVar (Variation ID: 539690). At this time, the clinical significance of this variant is uncertain due to the absence of conclusive functional and genetic evidence.

Labcorp Genetics (formerly Invitae), Labcorp
Classification: Uncertain significance for Pheochromocytoma/paraganglioma syndrome 5; Mitochondrial complex II deficiency, nuclear type 1. Last evaluated: 2025-12-17. Review status: criteria provided, single submitter. Criteria: Invitae Variant Classification Sherloc (09022015). Collection method: clinical testing. Allele origin: germline.
Comment: This sequence change replaces arginine, which is basic and polar, with threonine, which is neutral and polar, at codon 97 of the SDHA protein (p.Arg97Thr). This variant is present in population databases (rs371274523, gnomAD 0.03%). This missense change has been observed in individual(s) with clinical features of autosomal recessive SDHA-related condition(s) (PMID: 34732400). ClinVar contains an entry for this variant (Variation ID: 539690). Invitae Evidence Modeling of protein sequence and biophysical properties (such as structural, functional, and spatial information, amino acid conservation, physicochemical variation, residue mobility, and thermodynamic stability) has been performed for this missense variant. However, the output from this modeling did not meet the statistical confidence thresholds required to predict the impact of this variant on SDHA protein function. Experimental studies have shown that this missense change affects SDHA function (PMID: 39321216). In summary, the available evidence is currently insufficient to determine the role of this variant in disease. Therefore, it has been classified as a Variant of Uncertain Significance.

Ambry Genetics
Classification: Uncertain significance for Hereditary cancer-predisposing syndrome. Last evaluated: 2024-12-19. Review status: criteria provided, single submitter. Criteria: Ambry Variant Classification Scheme 2023. Collection method: clinical testing. Allele origin: germline.
Comment: The p.R97T variant (also known as c.290G>C), located in coding exon 3 of the SDHA gene, results from a G to C substitution at nucleotide position 290. The arginine at codon 97 is replaced by threonine, an amino acid with similar properties. This alteration was detected in 1/224 unrelated Brazilian individuals with breast cancer (Sandoval RL et al. PLoS One, 2021 Feb;16:e0247363). This amino acid position is highly conserved in available vertebrate species. In addition, this alteration is predicted to be deleterious by in silico analysis. Since supporting evidence is limited at this time, the clinical significance of this alteration remains unclear.

Baylor Genetics
Classification: Uncertain significance for Dilated cardiomyopathy 1GG. Last evaluated: 2024-02-17. Review status: criteria provided, single submitter. Criteria: ACMG Guidelines, 2015. Collection method: clinical testing. Allele origin: unknown.

GeneDx
Classification: Uncertain significance. Last evaluated: 2023-11-25. Review status: criteria provided, single submitter. Criteria: GeneDx Variant Classification Process June 2021. Collection method: clinical testing. Allele origin: germline. Affected: yes.
Comment: In silico analysis supports that this missense variant has a deleterious effect on protein structure/function; Observed with a second SDHA variant in a family with a suspected mitochondrial disorder; however, it is unknown whether the two variants were on the same (in cis) or opposite (in trans) alleles (PMID: 34732400); Observed in individuals with breast cancer in published literature (PMID: 33606809); This variant is associated with the following publications: (PMID: 34732400, 33606809)

Quest Diagnostics Nichols Institute San Juan Capistrano
Classification: Uncertain significance. Last evaluated: 2022-09-21. Review status: criteria provided, single submitter. Criteria: Quest Diagnostics criteria. Collection method: clinical testing. Allele origin: unknown.
Comment: To the best of our knowledge, the variant has not been reported in the published literature. The frequency of this variant in the general population, 0.00024 (6/24952 chromosomes in African/African American subpopulation), is higher than would generally be expected for pathogenic variants in this gene. Analysis of this variant using bioinformatics tools for the prediction of the effect of amino acid changes on protein structure and function yielded predictions that this variant is damaging. Based on the available information, we are unable to determine the clinical significance of this variant.

Literature cited by the submitters: PubMed 34732400 (cited by Labcorp Genetics (formerly Invitae), Labcorp); PubMed 39321216 (cited by Labcorp Genetics (formerly Invitae), Labcorp); PubMed 33606809 (cited by Ambry Genetics).